The following is an entry in ClinVar:

ClinVar aggregate classification (germline): Uncertain significance. Review status: criteria provided, multiple submitters, no conflicts (2 of 4 stars). 3 submissions from 3 submitters: Uncertain significance (2). 1 of the submissions does not count toward it. Last evaluated 2022-08-09.

Conditions:
ABCC6-related disorder. Also called: ABCC6-related condition.
Arterial calcification, generalized, of infancy, 2. Identifiers: Orphanet 51608, MedGen C3276161, MONDO:0013768, OMIM 614473.
Autosomal recessive inherited pseudoxanthoma elasticum (PXE). Identifiers: Orphanet 758, MedGen CN032334, MONDO:0009925, OMIM 264800.
Pseudoxanthoma elasticum, forme fruste. Also called: Pseudoxanthoma Elasticum, Incomplete; PSEUDOXANTHOMA ELASTICUM, HETEROZYGOUS. Identifiers: Orphanet 758, MedGen C1867450, MONDO:0008333, OMIM 177850.

gnomAD v4.1: 89 of 1,614,110 alleles (0.0055%); highest among the groups gnomAD compares: Non-Finnish European, 0.0071%; no homozygotes.

Submissions (3):

Labcorp Genetics (formerly Invitae), Labcorp
Classification: Uncertain significance. Last evaluated: 2022-08-09. Review status: criteria provided, single submitter. Criteria: Invitae Variant Classification Sherloc (09022015). Collection method: clinical testing. Allele origin: germline.
Comment: This sequence change replaces valine, which is neutral and non-polar, with leucine, which is neutral and non-polar, at codon 711 of the ABCC6 protein (p.Val711Leu). This variant is present in population databases (rs200800189, gnomAD 0.007%). This variant has not been reported in the literature in individuals affected with ABCC6-related conditions. ClinVar contains an entry for this variant (Variation ID: 1439547). Algorithms developed to predict the effect of missense changes on protein structure and function are either unavailable or do not agree on the potential impact of this missense change (SIFT: "Deleterious"; PolyPhen-2: "Possibly Damaging"; Align-GVGD: "Class C0"). In summary, the available evidence is currently insufficient to determine the role of this variant in disease. Therefore, it has been classified as a Variant of Uncertain Significance.

Fulgent Genetics
Classification: Uncertain significance for Pseudoxanthoma elasticum, forme fruste; Autosomal recessive inherited pseudoxanthoma elasticum; Arterial calcification, generalized, of infancy, 2. Last evaluated: 2022-02-16. Review status: criteria provided, single submitter. Criteria: ACMG Guidelines, 2015. Collection method: clinical testing. Allele origin: unknown.

PreventionGenetics, part of Exact Sciences
Classification: Uncertain significance for ABCC6-related condition. Last evaluated: 2024-07-30. Review status: no assertion criteria provided. Collection method: clinical testing. Allele origin: germline. Not counted in ClinVar's aggregate classification.
Comment: The ABCC6 c.2131G>C variant is predicted to result in the amino acid substitution p.Val711Leu. To our knowledge, this variant has not been reported in the literature. This variant is reported in 0.0062% of alleles in individuals of African descent in gnomAD. At this time, the clinical significance of this variant is uncertain due to the absence of conclusive functional and genetic evidence.

NM_001171.6(ABCC6):c.2131G>C (p.Val711Leu)

Gene: ABCC6 (ATP binding cassette subfamily C member 6; minus strand). Cytogenetic location: 16p13.11.
Variant type: single nucleotide variant.
Coding change: c.2131G>C on transcript NM_001171.6 (MANE Select); coding-DNA position 2131, G replaced by C.
Protein change: p.Val711Leu; replaces valine 711 with leucine.
Molecular consequence: missense variant. On other transcripts: non-coding transcript variant (1).
Genome position (GRCh38, 1-based): chr16:16,182,528, C>G on the plus strand (G>C on the coding strand, the complement: ABCC6 is on the minus strand). VCF-style: chr16-16182528-C-G. GRCh37 (hg19) VCF-style: chr16-16276385-C-G.
Other names: c.2131G>C (NM_001171.5); c.1789G>C, p.Val597Leu (NM_001351800.1); short protein forms V711L, V597L.
Identifiers: ClinVar variation 1439547 (VCV001439547.7), dbSNP rs200800189, ClinGen allele CA7926004.